The following is an entry in ClinVar:

ClinVar aggregate classification (germline): Uncertain significance. Review status: criteria provided, multiple submitters, no conflicts (2 of 4 stars). 3 submissions from 3 submitters: Uncertain significance (3). Last evaluated 2026-07-21.

Conditions:
Familial thoracic aortic aneurysm and aortic dissection (TAAD). Also called: Thoracic aortic aneurysms and dissections. Identifiers: Orphanet 91387, MedGen C4707243, MONDO:0019625.
Marfan syndrome (MFS). Also called: MARFAN SYNDROME, TYPE I; Marfan syndrome, classic; FBN1-Related Marfan Syndrome; Marfan syndrome type 1; Marfan's syndrome. Identifiers: Orphanet 284963, Orphanet 558, MedGen C0024796, MONDO:0007947, OMIM 154700.

gnomAD v4.1: 4 of 1,613,782 alleles (0.00025%); highest among the groups gnomAD compares: Non-Finnish European, 0.00034%; no homozygotes.

Submissions (3):

Ambry Genetics
Classification: Uncertain significance for Familial thoracic aortic aneurysm and aortic dissection. Last evaluated: 2026-07-21. Review status: criteria provided, single submitter. Criteria: Ambry Variant Classification Scheme 2023. Collection method: clinical testing. Allele origin: germline.
Comment: The p.M2202T variant (also known as c.6605T>C), located in coding exon 53 of the FBN1 gene, results from a T to C substitution at nucleotide position 6605. The methionine at codon 2202 is replaced by threonine, an amino acid with similar properties. This amino acid position is conserved. In addition, this alteration is predicted to be deleterious by in silico analysis. Based on the available evidence, the clinical significance of this variant remains unclear.

All of Us Research Program, National Institutes of Health
Classification: Uncertain significance for Marfan syndrome. Last evaluated: 2024-03-05. Review status: criteria provided, single submitter. Criteria: ACMG Guidelines, 2015. Collection method: clinical testing. Allele origin: germline. Inheritance: Autosomal dominant inheritance. Observed: 1 variant allele, 1 heterozygote.
Comment: This study involves interpretation of variants in research participants for the purpose of population health screening. Participant phenotype was not available at the time of variant classification. Additional details can be found in publication PMID: 35346344, PMCID: PMC8962531

Labcorp Genetics (formerly Invitae), Labcorp
Classification: Uncertain significance for Marfan syndrome; Familial thoracic aortic aneurysm and aortic dissection. Last evaluated: 2021-06-26. Review status: criteria provided, single submitter. Criteria: Invitae Variant Classification Sherloc (09022015). Collection method: clinical testing. Allele origin: germline.
Comment: This sequence change replaces methionine with threonine at codon 2202 of the FBN1 protein (p.Met2202Thr). The methionine residue is moderately conserved and there is a moderate physicochemical difference between methionine and threonine. This variant is not present in population databases (ExAC no frequency). This variant has not been reported in the literature in individuals with FBN1-related conditions. Algorithms developed to predict the effect of missense changes on protein structure and function are either unavailable or do not agree on the potential impact of this missense change (SIFT: "Tolerated"; PolyPhen-2: "Possibly Damaging"; Align-GVGD: "Class C0"). In summary, the available evidence is currently insufficient to determine the role of this variant in disease. Therefore, it has been classified as a Variant of Uncertain Significance.

NM_000138.5(FBN1):c.6605T>C (p.Met2202Thr)

Gene: FBN1 (fibrillin 1; minus strand). Cytogenetic location: 15q21.1.
Variant type: single nucleotide variant.
Coding change: c.6605T>C on transcript NM_000138.5 (MANE Select); coding-DNA position 6605, T replaced by C.
Protein change: p.Met2202Thr; replaces methionine 2202 with threonine.
Molecular consequence: missense variant.
Genome position (GRCh38, 1-based): chr15:48,434,605, A>G on the plus strand (T>C on the coding strand, the complement: FBN1 is on the minus strand). VCF-style: chr15-48434605-A-G. GRCh37 (hg19) VCF-style: chr15-48726802-A-G.
Other names: c.6605T>C, p.Met2202Thr (NM_001406716.1); short protein forms M2202T.
Identifiers: ClinVar variation 2162898 (VCV002162898.3), dbSNP rs2043050244, ClinGen allele CA392334651.
Genomic context (GRCh38, chr15:48,434,605, plus strand): 5'-TCCCAGGATCAGTACACGTAATCAACTGTTCTCTGTTTAAGAGATGTACCTTCACATGTC[A>G]TCATTGGACCGGGCTCAAATCCCTCCTCGCAGGTGCATTCAAAACCTCCAATCACATTCT-3'
Protein context (NP_000129.3, residues 2192-2212): CEEGFEPGPM[Met2202Thr]TCEDINECAQ